The following is an entry in ClinVar:

NM_078470.6(COX15):c.*809G>A

Gene: COX15 (cytochrome c oxidase assembly homolog COX15; minus strand). Cytogenetic location: 10q24.2.
Variant type: single nucleotide variant.
Coding change: c.*809G>A on transcript NM_078470.6 (MANE Select); 809 bases downstream of the stop codon, G replaced by A.
Molecular consequence: 3 prime UTR variant. On other transcripts: non-coding transcript variant (1), intron variant (2).
Genome position (GRCh38, 1-based): chr10:99,713,778, C>T on the plus strand (G>A on the coding strand, the complement: COX15 is on the minus strand). VCF-style: chr10-99713778-C-T. GRCh37 (hg19) VCF-style: chr10-101473535-C-T.
Other names: c.*990G>A (NM_001320975.2); c.*809G>A (NM_001320976.2, NM_001372025.1, NM_001372026.1); c.*28G>A (NM_001372024.1); c.*913G>A (NM_001372027.1); c.*236G>A (NM_001372028.1); c.1101+2570G>A (NM_001320974.2); c.1102-299G>A (NM_004376.7).
Identifiers: ClinVar variation 683434 (VCV000683434.2), dbSNP rs7073616, ClinGen allele CA13201079.
Genomic context (GRCh38, chr10:99,713,778, plus strand): 5'-TCAGCACTTTGGGAAGCCGAGATGGGCGGATTACCTGAGGTCAGGAGTTCAAGACCAGCC[C>T]GGCCAATGTGGTGAAACCCCTTCTCTACTAAAAATACAAAATTAGCCAGGCATGGTGACT-3'

ClinVar aggregate classification (germline): Benign. Review status: criteria provided, multiple submitters, no conflicts (2 of 4 stars). 2 submissions from 2 submitters: Benign (2). Last evaluated 2018-06-14.

Allele frequency attached by ClinVar (database versions not stated): 1000 Genomes Project 30x 0.84900; 1000 Genomes Project 0.85184; TOPMed 0.85697; gnomAD 0.86012 and 0.86016; gnomAD exomes 0.86881.
gnomAD v4.1: 369,042 of 426,528 alleles (87%); highest among the groups gnomAD compares: Middle Eastern, 90%; 159,928 homozygotes.

Submissions (2):

GeneDx
Classification: Benign. Last evaluated: 2018-06-14. Review status: criteria provided, single submitter. Criteria: GeneDx Variant Classification (06012015). Collection method: clinical testing. Allele origin: germline. Affected: yes.
Comment: This variant is considered likely benign or benign based on one or more of the following criteria: it is a conservative change, it occurs at a poorly conserved position in the protein, it is predicted to be benign by multiple in silico algorithms, and/or has population frequency not consistent with disease.

Breakthrough Genomics
Classification: Benign. Review status: criteria provided, single submitter. Criteria: ACMG Guidelines, 2015. Collection method: not provided. Allele origin: germline. Inheritance: Autosomal recessive inheritance. Affected: yes.